The following is an entry in ClinVar:

ClinVar aggregate classification (germline): Conflicting classifications of pathogenicity. Review status: criteria provided, conflicting classifications (1 of 4 stars). 15 submissions from 15 submitters: Uncertain significance (1); Benign (6); Likely benign (3). 5 of the submissions do not count toward it. Last evaluated 2026-02-02.

Conditions:
Heterotopia, periventricular, X-linked dominant (PVNH1). Also called: PERIVENTRICULAR NODULAR HETEROTOPIA 1; X-linked periventricular heterotopia; PERIVENTRICULAR NODULAR HETEROTOPIA 4; HETEROTOPIA, PERIVENTRICULAR, 1. Identifiers: Orphanet 2149, Orphanet 82004, MedGen C1848213, MONDO:0010233, OMIM 300049.
Oto-palato-digital syndrome, type II (OPD2). Also called: Otopalatodigital Syndrome Type 2 (FLNA-OPD2); OPD II SYNDROME; Otopalatodigital Syndrome, Type II; FACIOPALATOOSSEOUS SYNDROME. Identifiers: Orphanet 669, Orphanet 90652, MedGen C1844696, MONDO:0010571, OMIM 304120.
Melnick-Needles syndrome (MNS). Also called: Melnick-Needles Syndrome (FLNA-MNS); OSTEODYSPLASTY OF MELNICK AND NEEDLES; MELNICK-NEEDLES OSTEODYSPLASTY. Identifiers: Orphanet 2484, MedGen C0025237, MONDO:0010650, OMIM 309350.
Frontometaphyseal dysplasia (FMD1). Identifiers: Orphanet 1826, MedGen C0265293, MONDO:0015942.
Familial thoracic aortic aneurysm and aortic dissection (TAAD). Also called: Thoracic aortic aneurysms and dissections. Identifiers: Orphanet 91387, MedGen C4707243, MONDO:0019625.

Allele frequency attached by ClinVar (database versions not stated): 1000 Genomes Project 30x 0.00021; 1000 Genomes Project 0.00026; gnomAD exomes 0.00109; ExAC 0.00113; TOPMed 0.00140; gnomAD 0.00156 and 0.00157; ESP Exome Variant Server 0.00197.
gnomAD v4.1: 2,571 of 1,193,254 alleles (0.22%); highest among the groups gnomAD compares: Non-Finnish European, 0.26%; 1 homozygote.

Submissions (15):

Labcorp Genetics (formerly Invitae), Labcorp
Classification: Benign for Oto-palato-digital syndrome, type II; Heterotopia, periventricular, X-linked dominant; Frontometaphyseal dysplasia; Melnick-Needles syndrome. Last evaluated: 2026-02-02. Review status: criteria provided, single submitter. Criteria: Invitae Variant Classification Sherloc (09022015). Collection method: clinical testing. Allele origin: germline.

ARUP Laboratories, Molecular Genetics and Genomics, ARUP Laboratories
Classification: Benign. Last evaluated: 2025-07-28. Review status: criteria provided, single submitter. Criteria: ARUP Molecular Germline Variant Investigation Process 2024. Collection method: clinical testing. Allele origin: germline.

Molecular Diagnostic Laboratory for Inherited Cardiovascular Disease, Montreal Heart Institute
Classification: Likely benign. Last evaluated: 2025-04-09. Review status: criteria provided, single submitter. Criteria: ACMG Guidelines, 2015. Collection method: clinical testing. Allele origin: germline. Affected: no.
Comment: BS1;BP6

Blueprint Genetics
Classification: Likely benign. Last evaluated: 2024-11-26. Review status: criteria provided, single submitter. Criteria: ACMG Guidelines, 2015. Collection method: clinical testing. Allele origin: germline.

Mayo Clinic Laboratories, Mayo Clinic
Classification: Benign. Last evaluated: 2024-08-02. Review status: criteria provided, single submitter. Criteria: ACMG Guidelines, 2015. Collection method: clinical testing. Allele origin: germline. Observed: 33 variant alleles.

Women's Health and Genetics/Laboratory Corporation of America, LabCorp
Classification: Benign. Last evaluated: 2024-04-21. Review status: criteria provided, single submitter. Criteria: LabCorp Variant Classification Summary - May 2015. Collection method: clinical testing. Allele origin: germline.

Ambry Genetics
Classification: Likely benign for Familial thoracic aortic aneurysm and aortic dissection. Last evaluated: 2015-08-30. Review status: criteria provided, single submitter. Criteria: Ambry Variant Classification Scheme 2023. Collection method: clinical testing. Allele origin: germline.

Claritas Genomics
Classification: Uncertain significance for periventricular nodular heterotopia. Last evaluated: 2014-12-11. Review status: criteria provided, single submitter. Criteria: ACMG Guidelines, 2007. Collection method: clinical testing. Allele origin: germline. Inheritance: X-linked inheritance.

GeneDx
Classification: Benign. Last evaluated: 2014-06-17. Review status: criteria provided, single submitter. Criteria: GeneDx Variant Classification (06012015). Collection method: clinical testing. Allele origin: germline. Affected: yes.
Comment: This variant is considered likely benign or benign based on one or more of the following criteria: it is a conservative change, it occurs at a poorly conserved position in the protein, it is predicted to be benign by multiple in silico algorithms, and/or has population frequency not consistent with disease.

Eurofins Ntd Llc (ga)
Classification: Benign. Last evaluated: 2013-04-09. Review status: criteria provided, single submitter. Criteria: EGL Classification Definitions 2015. Collection method: clinical testing. Allele origin: germline. Observed: 2 variant alleles, 1 heterozygote, 1 hemizygote.

Clinical Genetics DNA and cytogenetics Diagnostics Lab, Erasmus MC, Erasmus Medical Center
Classification: Benign. Review status: no assertion criteria provided. Collection method: clinical testing. Allele origin: germline. Affected: yes. Study: VKGL Data-share Consensus. Not counted in ClinVar's aggregate classification.

Genetic Services Laboratory, University of Chicago
Classification: Likely benign for AllHighlyPenetrant. Review status: no assertion criteria provided. Collection method: clinical testing. Allele origin: germline. Inheritance: X-linked inheritance. Not counted in ClinVar's aggregate classification.
Comment: Likely benign based on allele frequency in 1000 Genomes Project or ESP global frequency and its presence in a patient with a rare or unrelated disease phenotype. NOT Sanger confirmed.

Genome Diagnostics Laboratory, Amsterdam University Medical Center
Classification: Likely benign. Review status: no assertion criteria provided. Collection method: clinical testing. Allele origin: germline. Affected: yes. Study: VKGL Data-share Consensus. Not counted in ClinVar's aggregate classification.

Genome Diagnostics Laboratory, University Medical Center Utrecht
Classification: Likely benign. Review status: no assertion criteria provided. Collection method: clinical testing. Allele origin: germline. Affected: yes. Study: VKGL Data-share Consensus. Not counted in ClinVar's aggregate classification.

Laboratory of Diagnostic Genome Analysis, Leiden University Medical Center (LUMC)
Classification: Likely benign. Review status: no assertion criteria provided. Collection method: clinical testing. Allele origin: germline. Affected: yes. Study: VKGL Data-share Consensus. Not counted in ClinVar's aggregate classification.

NM_001110556.2(FLNA):c.1429+8C>T

Gene: FLNA (filamin A; minus strand). Cytogenetic location: Xq28.
Variant type: single nucleotide variant.
Coding change: c.1429+8C>T on transcript NM_001110556.2 (MANE Select); 8 bases into the intron after coding-DNA position 1429, C replaced by T.
Molecular consequence: intron variant.
Genome position (GRCh38, 1-based): chrX:154,366,016, G>A on the plus strand (C>T on the coding strand, the complement: FLNA is on the minus strand). VCF-style: chrX-154366016-G-A. GRCh37 (hg19) VCF-style: chrX-153594384-G-A.
Other names: p.?; c.1429+8C>T (NM_001456.4).
Identifiers: ClinVar variation 93750 (VCV000093750.38), dbSNP rs202181557, ClinGen allele CA274722.